The following is an entry in ClinVar:

NM_032387.5(WNK4):c.3595C>A (p.Arg1199Ser)

Gene: WNK4 (WNK lysine deficient protein kinase 4; plus strand). Cytogenetic location: 17q21.2.
Variant type: single nucleotide variant.
Coding change: c.3595C>A on transcript NM_032387.5 (MANE Select); coding-DNA position 3595, C replaced by A.
Protein change: p.Arg1199Ser; replaces arginine 1199 with serine.
Molecular consequence: missense variant.
Genome position (GRCh38, 1-based): chr17:42,796,286, C>A. VCF-style: chr17-42796286-C-A. GRCh37 (hg19) VCF-style: chr17-40948304-C-A.
Other names: c.2587C>A, p.Arg863Ser (NM_001321299.2); short protein forms R1199S, R863S.
Identifiers: ClinVar variation 323354 (VCV000323354.6), dbSNP rs200519604, ClinGen allele CA8584637.
Genomic context (GRCh38, chr17:42,796,286, plus strand): 5'-GCTGCTATGCTGTCCAGCCGCCAGCGCCGCCTCTCCAAGGGCAGCTTCCCCACCTCCCGC[C>A]GCAACAGCCTACAGCGCTCTGAGCCCCCAGGCCCTGGTGAGACTGCAGTCACCCAGCTTC-3'
Protein context (NP_115763.2, residues 1189-1209): LSKGSFPTSR[Arg1199Ser]NSLQRSEPPG

ClinVar aggregate classification (germline): Benign. Review status: criteria provided, multiple submitters, no conflicts (2 of 4 stars). 2 submissions from 2 submitters: Benign (2). Last evaluated 2025-11-03.

Conditions:
Pseudohypoaldosteronism type 2B (PHA2B). Also called: Pseudohypoaldosteronism Type IIB. Identifiers: Orphanet 757, Orphanet 88939, MedGen C1840390, MONDO:0013777, OMIM 614491.

Allele frequency attached by ClinVar (database versions not stated): TOPMed 0.00002; 1000 Genomes Project 30x 0.00062; 1000 Genomes Project 0.00080.
gnomAD v4.1: 525 of 1,611,906 alleles (0.033%); highest among the groups gnomAD compares: Non-Finnish European, 0.002%; 1 homozygote.

Submissions (2):

Labcorp Genetics (formerly Invitae), Labcorp
Classification: Benign. Last evaluated: 2025-11-03. Review status: criteria provided, single submitter. Criteria: Invitae Variant Classification Sherloc (09022015). Collection method: clinical testing. Allele origin: germline.

Illumina Laboratory Services, Illumina
Classification: Benign for Pseudohypoaldosteronism type 2B. Last evaluated: 2018-01-12. Review status: criteria provided, single submitter. Criteria: ICSL Variant Classification Criteria 13 December 2019. Collection method: clinical testing. Allele origin: germline.
Comment: This variant was observed in the ICSL laboratory as part of a predisposition screen in an ostensibly healthy population. It had not been previously curated by ICSL or reported in the Human Gene Mutation Database (HGMD: prior to June 1st, 2018), and was therefore a candidate for classification through an automated scoring system. Utilizing variant allele frequency, disease prevalence and penetrance estimates, and inheritance mode, an automated score was calculated to assess if this variant is too frequent to cause the disease. Based on the score and internal cut-off values, a variant classified as benign is not then subjected to further curation. The score for this variant resulted in a classification of benign for this disease.